The following is an entry in ClinVar:

ClinVar aggregate classification (germline): Uncertain significance. Review status: criteria provided, multiple submitters, no conflicts (2 of 4 stars). 2 submissions from 2 submitters: Uncertain significance (2). Last evaluated 2025-10-29.

Allele frequency attached by ClinVar (database versions not stated): ExAC 0.00001.
gnomAD v4.1: 10 of 1,614,224 alleles (0.00062%); highest among the groups gnomAD compares: Non-Finnish European, 0.00085%; no homozygotes.

Submissions (2):

Ambry Genetics
Classification: Uncertain significance. Last evaluated: 2025-10-29. Review status: criteria provided, single submitter. Criteria: Ambry Variant Classification Scheme 2023. Collection method: clinical testing. Allele origin: germline.

Labcorp Genetics (formerly Invitae), Labcorp
Classification: Uncertain significance. Last evaluated: 2024-10-16. Review status: criteria provided, single submitter. Criteria: Invitae Variant Classification Sherloc (09022015). Collection method: clinical testing. Allele origin: germline.
Comment: This sequence change replaces aspartic acid, which is acidic and polar, with glutamic acid, which is acidic and polar, at codon 353 of the IRF4 protein (p.Asp353Glu). The frequency data for this variant in the population databases is considered unreliable, as metrics indicate poor data quality at this position in the gnomAD database. This variant has not been reported in the literature in individuals affected with IRF4-related conditions. ClinVar contains an entry for this variant (Variation ID: 1909023). An algorithm developed to predict the effect of missense changes on protein structure and function (PolyPhen-2) suggests that this variant is likely to be tolerated. In summary, the available evidence is currently insufficient to determine the role of this variant in disease. Therefore, it has been classified as a Variant of Uncertain Significance.

NM_002460.4(IRF4):c.1059C>G (p.Asp353Glu)

Gene: IRF4 (interferon regulatory factor 4; plus strand). Cytogenetic location: 6p25.3.
Variant type: single nucleotide variant.
Coding change: c.1059C>G on transcript NM_002460.4 (MANE Select); coding-DNA position 1059, C replaced by G.
Protein change: p.Asp353Glu; replaces aspartic acid 353 with glutamic acid.
Molecular consequence: missense variant. On other transcripts: non-coding transcript variant (1).
Genome position (GRCh38, 1-based): chr6:401,737, C>G. VCF-style: chr6-401737-C-G. GRCh37 (hg19) VCF-style: chr6-401737-C-G.
Other names: c.1059C>G (NM_002460.3); c.1056C>G, p.Asp352Glu (NM_001195286.2); short protein forms D352E, D353E.
Identifiers: ClinVar variation 1909023 (VCV001909023.6), dbSNP rs199919569, ClinGen allele CA3612859.